The following is an entry in ClinVar:

ClinVar aggregate classification (germline): Uncertain significance. Review status: criteria provided, multiple submitters, no conflicts (2 of 4 stars). 3 submissions from 3 submitters: Uncertain significance (3). Last evaluated 2024-12-03.

Conditions:
Cardiovascular phenotype. Identifiers: MedGen CN230736.
Cardiomyopathy (CMYO). Also called: Cardiomyopathies. Identifiers: Orphanet 167848, MedGen C0878544, MONDO:0004994, HP:0001638. Inheritance: Various modes of inheritance.
Catecholaminergic polymorphic ventricular tachycardia 1. Also called: VENTRICULAR TACHYCARDIA, STRESS-INDUCED POLYMORPHIC 1; VENTRICULAR TACHYCARDIA, CATECHOLAMINERGIC POLYMORPHIC, 1, WITH OR WITHOUT ATRIAL DYSFUNCTION AND/OR DILATED CARDIOMYOPATHY; RYR2-Related Catecholaminergic Polymorphic Ventricular Tachycardia. Identifiers: Orphanet 3286, MedGen C1631597, MONDO:0011484, OMIM 604772.

gnomAD v4.1: 2 of 1,613,946 alleles (0.00012%); highest among the groups gnomAD compares: Non-Finnish European, 0.00017%; no homozygotes.

Submissions (3):

Ambry Genetics
Classification: Uncertain significance for Cardiovascular phenotype. Last evaluated: 2024-12-03. Review status: criteria provided, single submitter. Criteria: Ambry Variant Classification Scheme 2023. Collection method: clinical testing. Allele origin: germline.
Comment: The p.P990Q variant (also known as c.2969C>A), located in coding exon 26 of the RYR2 gene, results from a C to A substitution at nucleotide position 2969. The proline at codon 990 is replaced by glutamine, an amino acid with similar properties. This amino acid position is not well conserved in available vertebrate species. In addition, the in silico prediction for this alteration is inconclusive. Based on the available evidence, the clinical significance of this variant remains unclear.

Color Diagnostics, LLC DBA Color Health
Classification: Uncertain significance for Cardiomyopathy. Last evaluated: 2024-03-06. Review status: criteria provided, single submitter. Criteria: ACMG Guidelines, 2015. Collection method: clinical testing. Allele origin: germline.
Comment: This missense variant replaces proline with glutamine at codon 990 of the RYR2 protein. Computational prediction suggests that this variant may not impact protein structure and function (internally defined REVEL score threshold <= 0.5, PMID: 27666373). To our knowledge, functional studies have not been reported for this variant. This variant has not been reported in individuals affected with cardiovascular disorders in the literature. This variant has not been identified in the general population by the Genome Aggregation Database (gnomAD). The available evidence is insufficient to determine the role of this variant in disease conclusively. Therefore, this variant is classified as a Variant of Uncertain Significance.

Labcorp Genetics (formerly Invitae), Labcorp
Classification: Uncertain significance for Catecholaminergic polymorphic ventricular tachycardia 1. Last evaluated: 2017-05-02. Review status: criteria provided, single submitter. Criteria: Invitae Variant Classification Sherloc (09022015). Collection method: clinical testing. Allele origin: germline.
Comment: In summary, this variant is a novel missense change that is not predicted to affect protein function. There is no indication that it causes disease, but the available evidence is currently insufficient to prove that conclusively. Therefore, it has been classified as a Variant of Uncertain Significance. This variant does not occur within one of the three regions of the RYR2 gene (N-terminal domain, central domain, or channel region) where other pathogenic variants have been reported to cluster (PMID: 19926015). Algorithms developed to predict the effect of missense changes on protein structure and function output the following: SIFT: "Deleterious"; PolyPhen-2: "Possibly Damaging"; Align-GVGD: "Class C65". The glutamine amino acid residue is found in multiple mammalian species, suggesting that this missense change does not adversely affect protein function. These predictions have not been confirmed by published functional studies. This variant is not present in population databases (ExAC no frequency) and has not been reported in the literature in individuals with a RYR2-related disease. This sequence change replaces proline with glutamine at codon 990 of the RYR2 protein (p.Pro990Gln). The proline residue is highly conserved and there is a moderate physicochemical difference between proline and glutamine.

Literature cited by the submitters: PubMed 19926015 (cited by Labcorp Genetics (formerly Invitae), Labcorp).

NM_001035.3(RYR2):c.2969C>A (p.Pro990Gln)

Gene: RYR2 (ryanodine receptor 2; plus strand). Cytogenetic location: 1q43.
Variant type: single nucleotide variant.
Coding change: c.2969C>A on transcript NM_001035.3 (MANE Select); coding-DNA position 2969, C replaced by A.
Protein change: p.Pro990Gln; replaces proline 990 with glutamine.
Molecular consequence: missense variant.
Genome position (GRCh38, 1-based): chr1:237,548,493, C>A. VCF-style: chr1-237548493-C-A. GRCh37 (hg19) VCF-style: chr1-237711793-C-A.
Other names: c.2969C>A, p.Pro990Gln (LRG_402t1); short protein forms P990Q.
Identifiers: ClinVar variation 463593 (VCV000463593.15), dbSNP rs912594681, ClinGen allele CA345393553.